The following is an entry in ClinVar:

NM_015650.4(TRAF3IP1):c.650G>C (p.Arg217Thr)

Gene: TRAF3IP1 (TRAF3 interacting protein 1; plus strand). Cytogenetic location: 2q37.3.
Variant type: single nucleotide variant.
Coding change: c.650G>C on transcript NM_015650.4 (MANE Select); coding-DNA position 650, G replaced by C.
Protein change: p.Arg217Thr; replaces arginine 217 with threonine.
Molecular consequence: missense variant.
Genome position (GRCh38, 1-based): chr2:238,329,077, G>C. VCF-style: chr2-238329077-G-C. GRCh37 (hg19) VCF-style: chr2-239237718-G-C.
Other names: c.650G>C, p.Arg217Thr (NM_001139490.1); short protein forms R217T.
Identifiers: ClinVar variation 4760079 (VCV004760079.1).

ClinVar aggregate classification (germline): Uncertain significance (1 of 4 stars; one submission).

gnomAD v4.1: 16 of 1,551,314 alleles (0.001%); highest among the groups gnomAD compares: African/African-American, 0.0041%; no homozygotes.

Submission:

Labcorp Genetics (formerly Invitae), Labcorp
Classification: Uncertain significance. Last evaluated: 2025-02-06. Review status: criteria provided, single submitter. Criteria: Invitae Variant Classification Sherloc (09022015). Collection method: clinical testing. Allele origin: germline.
Comment: This sequence change replaces arginine, which is basic and polar, with threonine, which is neutral and polar, at codon 217 of the TRAF3IP1 protein (p.Arg217Thr). This variant is present in population databases (rs534479386, gnomAD 0.01%). This variant has not been reported in the literature in individuals affected with TRAF3IP1-related conditions. Invitae Evidence Modeling of protein sequence and biophysical properties (such as structural, functional, and spatial information, amino acid conservation, physicochemical variation, residue mobility, and thermodynamic stability) indicates that this missense variant is not expected to disrupt TRAF3IP1 protein function with a negative predictive value of 80%. In summary, the available evidence is currently insufficient to determine the role of this variant in disease. Therefore, it has been classified as a Variant of Uncertain Significance.